The following is an entry in ClinVar:

ClinVar aggregate classification (germline): Uncertain significance (1 of 4 stars; one submission).

Allele frequency attached by ClinVar (database versions not stated): gnomAD exomes below 0.00001; TOPMed 0.00001.
gnomAD v4.1: 1 of 1,613,680 alleles (0.000062%); highest among the groups gnomAD compares: Non-Finnish European, 0.000085%; no homozygotes.

Submission:

Labcorp Genetics (formerly Invitae), Labcorp
Classification: Uncertain significance. Last evaluated: 2022-07-13. Review status: criteria provided, single submitter. Criteria: Invitae Variant Classification Sherloc (09022015). Collection method: clinical testing. Allele origin: germline.
Comment: This variant is not present in population databases (gnomAD no frequency). In summary, the available evidence is currently insufficient to determine the role of this variant in disease. Therefore, it has been classified as a Variant of Uncertain Significance. Algorithms developed to predict the effect of missense changes on protein structure and function are either unavailable or do not agree on the potential impact of this missense change (SIFT: "Deleterious"; PolyPhen-2: "Benign"; Align-GVGD: "Class C55"). This variant has not been reported in the literature in individuals affected with HACE1-related conditions. This sequence change replaces alanine, which is neutral and non-polar, with threonine, which is neutral and polar, at codon 458 of the HACE1 protein (p.Ala458Thr).

NM_020771.4(HACE1):c.1372G>A (p.Ala458Thr)

Gene: HACE1 (HECT domain and ankyrin repeat containing E3 ubiquitin protein ligase 1; minus strand). Cytogenetic location: 6q16.3.
Variant type: single nucleotide variant.
Coding change: c.1372G>A on transcript NM_020771.4 (MANE Select); coding-DNA position 1372, G replaced by A.
Protein change: p.Ala458Thr; replaces alanine 458 with threonine.
Molecular consequence: missense variant. On other transcripts: non-coding transcript variant (7).
Genome position (GRCh38, 1-based): chr6:104,785,022, C>T on the plus strand (G>A on the coding strand, the complement: HACE1 is on the minus strand). VCF-style: chr6-104785022-C-T. GRCh37 (hg19) VCF-style: chr6-105232897-C-T.
Other names: c.1240G>A, p.Ala414Thr (NM_001321080.2); c.1270G>A, p.Ala424Thr (NM_001321083.2); c.868G>A, p.Ala290Thr (NM_001321084.2, NM_001350557.2, NM_001350558.2); c.1138G>A, p.Ala380Thr (NM_001350554.2); c.1081G>A, p.Ala361Thr (NM_001350555.2); c.886G>A, p.Ala296Thr (NM_001350556.2); c.790G>A, p.Ala264Thr (NM_001350559.2); c.589G>A, p.Ala197Thr (NM_001350560.2); short protein forms A197T, A296T, A361T, A380T, A264T, A290T, A424T, A414T.
Identifiers: ClinVar variation 2011044 (VCV002011044.4), dbSNP rs1782195263, ClinGen allele CA365136158.